The following is an entry in ClinVar:

ClinVar aggregate classification (germline): Conflicting classifications of pathogenicity. Review status: criteria provided, conflicting classifications (1 of 4 stars). 5 submissions from 5 submitters: Uncertain significance (4); Likely benign (1). Last evaluated 2026-07-06.

Conditions:
Hereditary cancer-predisposing syndrome. Also called: Neoplastic Syndromes, Hereditary; Hereditary Cancer Syndrome; Tumor predisposition; Hereditary neoplastic syndrome. Identifiers: Orphanet 140162, MedGen C0027672, MeSH D009386, MONDO:0015356.
Tuberous sclerosis 2 (TSC2). Identifiers: Orphanet 805, MedGen C1860707, MONDO:0013199, OMIM 613254.
Tuberous sclerosis syndrome (TSC). Also called: Tuberous Sclerosis Complex; Tuberous sclerosis. Identifiers: Orphanet 805, MedGen C0041341, MONDO:0001734.

Allele frequency attached by ClinVar (database versions not stated): gnomAD exomes below 0.00001; ExAC 0.00001.

Submissions (5):

Ambry Genetics
Classification: Uncertain significance for Hereditary cancer-predisposing syndrome. Last evaluated: 2026-07-06. Review status: criteria provided, single submitter. Criteria: Ambry Variant Classification Scheme 2023. Collection method: clinical testing. Allele origin: germline.
Comment: The p.P1042L variant (also known as c.3125C>T), located in coding exon 26 of the TSC2 gene, results from a C to T substitution at nucleotide position 3125. The proline at codon 1042 is replaced by leucine, an amino acid with similar properties. This amino acid position is highly conserved in available vertebrate species. In addition, this alteration is predicted to be deleterious by in silico analysis. Based on the available evidence, the clinical significance of this variant remains unclear.

Labcorp Genetics (formerly Invitae), Labcorp
Classification: Likely benign for Tuberous sclerosis 2. Last evaluated: 2025-11-16. Review status: criteria provided, single submitter. Criteria: Invitae Variant Classification Sherloc (09022015). Collection method: clinical testing. Allele origin: germline.

All of Us Research Program, National Institutes of Health
Classification: Uncertain significance for Tuberous sclerosis syndrome. Last evaluated: 2024-07-20. Review status: criteria provided, single submitter. Criteria: ACMG Guidelines, 2015. Collection method: clinical testing. Allele origin: germline. Inheritance: Autosomal dominant inheritance. Observed: 2 variant alleles, 2 heterozygotes.
Comment: This missense variant replaces proline with leucine at codon 1042 of the TSC2 protein. Computational prediction suggests that this variant may have deleterious impact on protein structure and function (internally defined REVEL score threshold >= 0.7, PMID: 27666373). To our knowledge, functional studies have not been reported for this variant. This variant has not been reported in individuals affected with TSC2-related disorders in the literature. This variant has been identified in 1/250364 chromosomes in the general population by the Genome Aggregation Database (gnomAD). The available evidence is insufficient to determine the role of this variant in disease conclusively. Therefore, this variant is classified as a Variant of Uncertain Significance.

This study involves interpretation of variants in research participants for the purpose of population health screening. Participant phenotype was not available at the time of variant classification. Additional details can be found in publication PMID: 35346344, PMCID: PMC8962531

Mayo Clinic Laboratories, Mayo Clinic
Classification: Uncertain significance. Last evaluated: 2024-01-31. Review status: criteria provided, single submitter. Criteria: ACMG Guidelines, 2015. Collection method: clinical testing. Allele origin: germline. Observed: 1 variant allele.
Comment: PP3

GeneDx
Classification: Uncertain significance. Last evaluated: 2022-06-27. Review status: criteria provided, single submitter. Criteria: GeneDx Variant Classification Process June 2021. Collection method: clinical testing. Allele origin: germline. Affected: yes.
Comment: In silico analysis supports that this missense variant has a deleterious effect on protein structure/function; Has not been previously published as pathogenic or benign to our knowledge

NM_000548.5(TSC2):c.3125C>T (p.Pro1042Leu)

Gene: TSC2 (TSC complex subunit 2; plus strand). Cytogenetic location: 16p13.3.
Variant type: single nucleotide variant.
Coding change: c.3125C>T on transcript NM_000548.5 (MANE Select); coding-DNA position 3125, C replaced by T.
Protein change: p.Pro1042Leu; replaces proline 1042 with leucine.
Molecular consequence: missense variant.
Genome position (GRCh38, 1-based): chr16:2,079,190, C>T. VCF-style: chr16-2079190-C-T. GRCh37 (hg19) VCF-style: chr16-2129191-C-T.
Other names: p.Pro1042Leu; c.3125C>T, p.Pro1042Leu (NM_001114382.3); c.2885C>T, p.Pro962Leu (NM_001318827.2); c.2849C>T, p.Pro950Leu (NM_001318829.2); c.2393C>T, p.Pro798Leu (NM_001318831.2); c.3026C>T, p.Pro1009Leu (NM_001318832.2); c.2996C>T, p.Pro999Leu (NM_001363528.2, NM_001370405.1, NM_021055.3); c.2993C>T, p.Pro998Leu (NM_001370404.1, NM_001077183.3); short protein forms P950L, P1009L, P1042L, P962L, P998L, P798L, P999L.
Identifiers: ClinVar variation 962287 (VCV000962287.18), dbSNP rs745731000, ClinGen allele CA044288.